The following is an entry in ClinVar:

ClinVar aggregate classification (germline): Pathogenic/Likely pathogenic. Review status: criteria provided, multiple submitters, no conflicts (2 of 4 stars). 12 submissions from 12 submitters: Pathogenic (4); Likely pathogenic (7). 1 of the submissions does not count toward it. Last evaluated 2026-01-18.

Conditions:
SKIN/HAIR/EYE PIGMENTATION 5, BLACK/NONBLACK HAIR (SHEP5). Also called: SKIN/HAIR/EYE PIGMENTATION, VARIATION IN, 5; SKIN/HAIR/EYE PIGMENTATION 5, DARK/FAIR SKIN; SKIN/HAIR/EYE PIGMENTATION 5, DARK/LIGHT EYES. Identifiers: MedGen C2673584, OMIM 227240.
Oculocutaneous albinism type 4 (OCA4). Also called: Albinism, oculocutaneous, type IV. Identifiers: Orphanet 79435, MedGen C1847836, MONDO:0011683, OMIM 606574.
Albinism or congenital nystagmus.
SLC45A2-related disorder. Also called: SLC45A2-related condition.
Inborn genetic diseases. Identifiers: MedGen C0950123, MeSH D030342.

Allele frequency attached by ClinVar (database versions not stated): TOPMed 0.00013; ExAC 0.00020; gnomAD 0.00019 and 0.00016; gnomAD exomes 0.00019 and 0.00023; ESP Exome Variant Server 0.00038.
gnomAD v4.1: 298 of 1,613,906 alleles (0.018%); highest among the groups gnomAD compares: Non-Finnish European, 0.016%; no homozygotes.

Submissions (12):

Labcorp Genetics (formerly Invitae), Labcorp
Classification: Pathogenic. Last evaluated: 2026-01-18. Review status: criteria provided, single submitter. Criteria: Invitae Variant Classification Sherloc (09022015). Collection method: clinical testing. Allele origin: germline.
Comment: This sequence change replaces tryptophan, which is neutral and slightly polar, with cysteine, which is neutral and slightly polar, at codon 202 of the SLC45A2 protein (p.Trp202Cys). This variant is present in population databases (rs146802593, gnomAD 0.2%). This missense change has been observed in individual(s) with oculocutaneous albinism (PMID: 24096233, 27734839). In at least one individual the data is consistent with being in trans (on the opposite chromosome) from a pathogenic variant. ClinVar contains an entry for this variant (Variation ID: 521031). Invitae Evidence Modeling of protein sequence and biophysical properties (such as structural, functional, and spatial information, amino acid conservation, physicochemical variation, residue mobility, and thermodynamic stability) indicates that this missense variant is expected to disrupt SLC45A2 protein function with a positive predictive value of 80%. For these reasons, this variant has been classified as Pathogenic.

Institute of Human Genetics, University of Leipzig Medical Center
Classification: Likely pathogenic for Oculocutaneous albinism type 4. Last evaluated: 2025-05-07. Review status: criteria provided, single submitter. Criteria: ACMG Guidelines, 2015. Collection method: clinical testing. Allele origin: unknown. Inheritance: Autosomal recessive inheritance. Affected: yes.
Comment: Criteria applied: PM3_STR,PM2_SUP,PP4

NHS Central & South Genomic Laboratory Hub
Classification: Likely pathogenic for Albinism or congenital nystagmus. Last evaluated: 2025-04-09. Review status: criteria provided, single submitter. Criteria: ACMG Guidelines, 2015. Collection method: clinical testing. Allele origin: germline. Affected: yes.

Laboratory of Genetic Epidemiology, Research Centre for Medical Genetics
Classification: Likely pathogenic for SKIN/HAIR/EYE PIGMENTATION 5, BLACK/NONBLACK HAIR; Oculocutaneous albinism type 4. Last evaluated: 2025-01-01. Review status: criteria provided, single submitter. Criteria: ACMG Guidelines, 2015. Collection method: clinical testing. Allele origin: unknown. Inheritance: Autosomal recessive inheritance. Affected: yes. Observed: 1 heterozygote.
Comment: This variant has been previously reported in the literature (PMIDs: 28976636, 36553465, 39315505) and is listed in gnomAD v3.1.2 with allele frequency 0.00009 in Europe (6/68010), none in homozygous state. The affected amino acid position is evolutionarily conserved, and multiple in silico prediction tools support a deleterious effect. Taken together, the variant meets the following ACMG/AMP criteria and can be classified as likely pathogenic with PM2, PP5, PP4 criteria.

Blueprint Genetics
Classification: Pathogenic for SLC45A2-related disorders. Last evaluated: 2024-06-04. Review status: criteria provided, single submitter. Criteria: ACMG Guidelines, 2015. Collection method: clinical testing. Allele origin: germline. Affected: yes. Observed: 5 variant alleles.

Department of Pathology and Laboratory Medicine, Sinai Health System
Classification: Likely pathogenic for Oculocutaneous albinism type 4. Last evaluated: 2023-09-29. Review status: criteria provided, single submitter. Criteria: ACMG Guidelines, 2015. Collection method: research. Allele origin: germline.

CeGaT Center for Human Genetics Tuebingen
Classification: Pathogenic. Last evaluated: 2018-09-01. Review status: criteria provided, single submitter. Criteria: CeGaT Center For Human Genetics Tuebingen Variant Classification Criteria Version 2. Collection method: clinical testing. Allele origin: germline. Affected: yes. Observed: 3 variant alleles.

Eurofins Ntd Llc (ga)
Classification: Likely pathogenic. Last evaluated: 2018-06-07. Review status: criteria provided, single submitter. Criteria: EGL ClinVar v180209 classification definitions. Collection method: clinical testing. Allele origin: germline. Observed: 1 variant allele, 1 heterozygote.

Illumina Laboratory Services, Illumina
Classification: Likely pathogenic for Oculocutaneous albinism type 4. Last evaluated: 2018-05-03. Review status: criteria provided, single submitter. Criteria: ICSLVariantClassificationCriteria RUGD 01 April 2020. Collection method: clinical testing. Allele origin: unknown.
Comment: The SLC45A2 c.606G>C p.(Trp202Cys) missense variant has been reported in at least two studies in which it is found in a total of five probands including four in a compound heterozygous state, and one in a heterozygous state (Rundshagen et al. 2004; Mauri et al. 2017). The highest frequency of this allele in the Genome Aggregation Database is 0.001712 in the European (Finnish) population (version 2.1.1). Based on the available evidence the c.606G>C p.(Trp202Cys) variant is classified as likely pathogenic for oculocutaneous albinism.

Ambry Genetics
Classification: Likely pathogenic for Inborn genetic diseases. Last evaluated: 2016-03-30. Review status: criteria provided, single submitter. Criteria: Ambry exome assertion method (8-5-2015). Collection method: clinical testing. Allele origin: germline. Affected: yes. Observed: 1 variant allele.

Pele Pequeno Principe Research Institute, Faculdades Pequeno Principe
Classification: Pathogenic for Oculocutaneous albinism type 4. Review status: criteria provided, single submitter. Criteria: ACMG Guidelines, 2015. Collection method: research. Allele origin: germline. Inheritance: Autosomal recessive inheritance. Affected: yes.

PreventionGenetics, part of Exact Sciences
Classification: Pathogenic for SLC45A2-related condition. Last evaluated: 2024-08-29. Review status: no assertion criteria provided. Collection method: clinical testing. Allele origin: germline. Not counted in ClinVar's aggregate classification.
Comment: The SLC45A2 c.606G>C variant is predicted to result in the amino acid substitution p.Trp202Cys. This variant has been reported in individuals with oculocutaneous albinism (Rundshagen et al. 2004. PubMed ID: 14722913; Mauri et al. 2013. PubMed ID: 24096233; Marti et al. 2017. PubMed ID: 28976636). This variant is reported in 0.17% of alleles in individuals of European (Finnish) descent in gnomAD. This variant has been classified as pathogenic or likely pathogenic by multiple independent submitters to the ClinVar database. Given the evidence, we interpret this variant as pathogenic.

Literature cited by the submitters: PubMed 24096233 (cited by Labcorp Genetics (formerly Invitae), Labcorp); PubMed 27734839 (cited by Labcorp Genetics (formerly Invitae), Labcorp); PubMed 28976636 (cited by Laboratory of Genetic Epidemiology, Research Centre for Medical Genetics); PubMed 36553465 (cited by Laboratory of Genetic Epidemiology, Research Centre for Medical Genetics); PubMed 39315505 (cited by Laboratory of Genetic Epidemiology, Research Centre for Medical Genetics); PubMed 41428507 (cited by Laboratory of Genetic Epidemiology, Research Centre for Medical Genetics).

NM_016180.5(SLC45A2):c.606G>C (p.Trp202Cys)

Gene: SLC45A2 (solute carrier family 45 member 2; minus strand). Cytogenetic location: 5p13.2.
Variant type: single nucleotide variant.
Coding change: c.606G>C on transcript NM_016180.5 (MANE Select); coding-DNA position 606, G replaced by C.
Protein change: p.Trp202Cys; replaces tryptophan 202 with cysteine.
Molecular consequence: missense variant. On other transcripts: intron variant (1).
Genome position (GRCh38, 1-based): chr5:33,963,973, C>G on the plus strand (G>C on the coding strand, the complement: SLC45A2 is on the minus strand). VCF-style: chr5-33963973-C-G. GRCh37 (hg19) VCF-style: chr5-33964078-C-G.
Other names: c.606G>C, p.Trp202Cys (NM_001012509.4); c.563-9469G>C (NM_001297417.4); c.606G>C (NM_016180.4); short protein forms W202C.
Identifiers: ClinVar variation 521031 (VCV000521031.60), dbSNP rs146802593, ClinGen allele CA3225732.
Genomic context (GRCh38, chr5:33,963,973, plus strand): 5'-AGAGAAGAAGAACATGACCTGGAATTCTGTACCCAACAGTCTTCCCAGCTCCAGATGGGC[C>G]CAGTCTATAGCACCCAAAAGGTAACCCAGGGCACCTCCAAAACCTGGAAAGCAAGAAAAG-3'
Protein context (NP_057264.4, residues 192-212): ALGYLLGAID[Trp202Cys]AHLELGRLLG